The following is an entry in ClinVar:

ClinVar aggregate classification (germline): Likely benign. Review status: criteria provided, single submitter (1 of 4 stars). 2 submissions from 2 submitters: Likely benign (1). 1 of the submissions does not count toward it. Last evaluated 2024-03-16.

Conditions:
VPS13B-related disorder. Also called: VPS13B-related condition.
Cohen syndrome (COH1). Also called: PEPPER SYNDROME; Cutis verticis gyrata, retinitis pigmentosa, and sensorineural deafness. Identifiers: Orphanet 193, MedGen C0265223, MONDO:0008999, OMIM 216550.

gnomAD v4.1: 1 of 1,613,582 alleles (0.000062%); highest among the groups gnomAD compares: Non-Finnish European, 0.000085%; no homozygotes.

Submissions (2):

Labcorp Genetics (formerly Invitae), Labcorp
Classification: Likely benign for Cohen syndrome. Last evaluated: 2024-03-16. Review status: criteria provided, single submitter. Criteria: Invitae Variant Classification Sherloc (09022015). Collection method: clinical testing. Allele origin: germline.

PreventionGenetics, part of Exact Sciences
Classification: Likely benign for VPS13B-related condition. Last evaluated: 2022-04-12. Review status: no assertion criteria provided. Collection method: clinical testing. Allele origin: germline. Not counted in ClinVar's aggregate classification.
Comment: This variant is classified as likely benign based on ACMG/AMP sequence variant interpretation guidelines (Richards et al. 2015 PMID: 25741868, with internal and published modifications).

NM_152564.5(VPS13B):c.11361A>C (p.Gly3787=)

Gene: VPS13B (vacuolar protein sorting 13 homolog B; plus strand). Cytogenetic location: 8q22.2.
Variant type: single nucleotide variant.
Coding change: c.11361A>C on transcript NM_152564.5 (MANE Select); coding-DNA position 11361, A replaced by C.
Protein change: p.Gly3787=; no amino-acid change (glycine 3787 retained).
Molecular consequence: synonymous variant.
Genome position (GRCh38, 1-based): chr8:99,868,434, A>C. VCF-style: chr8-99868434-A-C. GRCh37 (hg19) VCF-style: chr8-100880662-A-C.
Other names: c.11436A>C, p.Gly3812= (NM_017890.5).
Identifiers: ClinVar variation 3354453 (VCV003354453.3).
Genomic context (GRCh38, chr8:99,868,434, plus strand): 5'-GGGTGTCATCTCGGGTGTGGGGAAAGGAATCATGGGGGTGTTCACAAAGCCCATCGGAGG[A>C]GCTGCTGAGCTGGTGTCACAGACTGGCTATGGTAAGTCGGTGGAAAACCCATCAGGCCAA-3'
Protein context (NP_689777.3, residues 3777-3797): IMGVFTKPIG[Gly3787=]AAELVSQTGY